The following is an entry in ClinVar:

NM_000435.3(NOTCH3):c.770C>T (p.Thr257Ile)

Gene: NOTCH3 (notch receptor 3; minus strand). Cytogenetic location: 19p13.12.
Variant type: single nucleotide variant.
Coding change: c.770C>T on transcript NM_000435.3 (MANE Select); coding-DNA position 770, C replaced by T.
Protein change: p.Thr257Ile; replaces threonine 257 with isoleucine.
Molecular consequence: missense variant.
Genome position (GRCh38, 1-based): chr19:15,191,777, G>A on the plus strand (C>T on the coding strand, the complement: NOTCH3 is on the minus strand). VCF-style: chr19-15191777-G-A. GRCh37 (hg19) VCF-style: chr19-15302588-G-A.
Other names: short protein forms T257I.
Identifiers: ClinVar variation 1807358 (VCV001807358.3), dbSNP rs1294800420, ClinGen allele CA404532354.
Genomic context (GRCh38, chr19:15,191,777, plus strand): 5'-CCCCGCTCCCTCTGGCCGCAGTGCCCACCTGTCCACTCAGGAGGGCACTGGCAGTTATAG[G>A]TGTTGACGCCATCCACGCATGTCCCCCCATTGAGACATCGGTGTCCTGGACAGTCGTCCA-3'
Protein context (NP_000426.2, residues 247-267): NGGTCVDGVN[Thr257Ile]YNCQCPPEWT

ClinVar aggregate classification (germline): Uncertain significance. Review status: criteria provided, multiple submitters, no conflicts (2 of 4 stars). 2 submissions from 2 submitters: Uncertain significance (2). Last evaluated 2026-01-14.

Conditions:
Inborn genetic diseases. Identifiers: MedGen C0950123, MeSH D030342.

Allele frequency attached by ClinVar (database versions not stated): gnomAD 0.00001; TOPMed 0.00001.

Submissions (2):

Ambry Genetics
Classification: Uncertain significance for Inborn genetic diseases. Last evaluated: 2026-01-14. Review status: criteria provided, single submitter. Criteria: Ambry Variant Classification Scheme 2023. Collection method: clinical testing. Allele origin: germline.
Comment: The c.770C>T (p.T257I) alteration is located in exon 5 (coding exon 5) of the NOTCH3 gene. This alteration results from a C to T substitution at nucleotide position 770, causing the threonine (T) at amino acid position 257 to be replaced by an isoleucine (I). Based on data from gnomAD, the T allele has an overall frequency of 0.003% (1/31404) total alleles studied. The highest observed frequency was 0.007% (1/15434) of European (non-Finnish) alleles. Based on insufficient or conflicting evidence, the clinical significance of this alteration remains unclear.

Athena Diagnostics
Classification: Uncertain significance. Last evaluated: 2024-10-03. Review status: criteria provided, single submitter. Criteria: Athena Diagnostics Criteria. Collection method: clinical testing. Allele origin: unknown.
Comment: Available data are insufficient to determine the clinical significance of the variant at this time. The frequency of this variant in the general population is uninformative in assessment of its pathogenicity. Polyphen and MutationTaster predict this amino acid change may be damaging to the protein. Greater than 90% of NOTCH3 pathogenic variants associated with CADASIL involve the gain or loss of a cysteine residue within the epidermal growth factor (EGF)-like repeat domain (PMID: 32457593, 20301673).